The following is an entry in ClinVar:

ClinVar aggregate classification (germline): Benign/Likely benign. Review status: criteria provided, multiple submitters, no conflicts (2 of 4 stars). 3 submissions from 3 submitters: Benign (1); Likely benign (2). Last evaluated 2026-01-28.

Conditions:
Hereditary cancer-predisposing syndrome. Also called: Hereditary Cancer Syndrome; Neoplastic Syndromes, Hereditary; Hereditary neoplastic syndrome; Tumor predisposition. Identifiers: Orphanet 140162, MedGen C0027672, MeSH D009386, MONDO:0015356.
Multiple endocrine neoplasia, type 2 (MEN2). Identifiers: Orphanet 653, MedGen C4048306, MONDO:0019003. Disease mechanism: gain of function.
Multiple endocrine neoplasia type 2A. Also called: MULTIPLE ENDOCRINE NEOPLASIA, TYPE IIA; PTC SYNDROME; SIPPLE SYNDROME; MEN 2A; MEN-2A syndrome; Pheochromocytoma and amyloid producing medullary thyroid carcinoma. Identifiers: Orphanet 247698, Orphanet 653, MedGen C0025268, MeSH D018813, MONDO:0008234, OMIM 171400.

gnomAD v4.1: 1 of 1,595,698 alleles (0.000063%); highest among the groups gnomAD compares: Non-Finnish European, 0.000085%; no homozygotes.

Submissions (3):

Labcorp Genetics (formerly Invitae), Labcorp
Classification: Likely benign for Multiple endocrine neoplasia, type 2. Last evaluated: 2026-01-28. Review status: criteria provided, single submitter. Criteria: Invitae Variant Classification Sherloc (09022015). Collection method: clinical testing. Allele origin: germline.

Myriad Genetics, Inc.
Classification: Benign for Multiple endocrine neoplasia type 2A. Last evaluated: 2025-02-26. Review status: criteria provided, single submitter. Criteria: Myriad Autosomal Dominant, Autosomal Recessive and X-Linked Classification Criteria (2023). Collection method: clinical testing. Allele origin: unknown.
Comment: This variant is considered benign. This variant is a silent/synonymous amino acid change and it is not expected to impact splicing.

Ambry Genetics
Classification: Likely benign for Hereditary cancer-predisposing syndrome. Last evaluated: 2024-10-14. Review status: criteria provided, single submitter. Criteria: Ambry Variant Classification Scheme 2023. Collection method: clinical testing. Allele origin: germline.

NM_020975.6(RET):c.2394C>G (p.Gly798=)

Gene: RET (ret proto-oncogene; plus strand). Cytogenetic location: 10q11.21.
Variant type: single nucleotide variant.
Coding change: c.2394C>G on transcript NM_020975.6 (MANE Select); coding-DNA position 2394, C replaced by G.
Protein change: p.Gly798=; no amino-acid change (glycine 798 retained).
Molecular consequence: synonymous variant.
Genome position (GRCh38, 1-based): chr10:43,119,532, C>G. VCF-style: chr10-43119532-C-G. GRCh37 (hg19) VCF-style: chr10-43614980-C-G.
Other names: c.2394C>G, p.Gly798= (NM_000323.2, NM_001406743.1, NM_001406744.1 and 4 more transcripts); c.1632C>G, p.Gly544= (NM_001355216.2); c.2265C>G, p.Gly755= (NM_001406761.1, NM_001406762.1, NM_001406764.1); c.2259C>G, p.Gly753= (NM_001406763.1, NM_001406765.1); c.2106C>G, p.Gly702= (NM_001406766.1, NM_001406767.1, NM_001406770.1); c.2130C>G, p.Gly710= (NM_001406768.1); c.1998C>G, p.Gly666= (NM_001406769.1, NM_001406772.1); c.1956C>G, p.Gly652= (NM_001406771.1, NM_001406773.1); and 10 more.
Identifiers: ClinVar variation 1087945 (VCV001087945.13), dbSNP rs1838152776, ClinGen allele CA469479685.
Genomic context (GRCh38, chr10:43,119,532, plus strand): 5'-TCCTGGAAGACCCAAGCTGCCTGACCCGCACGCCCAGGGCCCCCTCTCTCCGCCCCCAGG[C>G]CCGCTCCTCCTCATCGTGGAGTACGCCAAATACGGCTCCCTGCGGGGCTTCCTCCGCGAG-3'
Protein context (NP_066124.1, residues 788-808): IKLYGACSQD[Gly798=]PLLLIVEYAK